The following is an entry in ClinVar:

ClinVar aggregate classification (germline): Uncertain significance (1 of 4 stars; one submission).

Conditions:
Dyskeratosis congenita. Identifiers: Orphanet 1775, MedGen C0265965, MONDO:0015780.

Submission:

Labcorp Genetics (formerly Invitae), Labcorp
Classification: Uncertain significance for Dyskeratosis congenita. Last evaluated: 2021-05-18. Review status: criteria provided, single submitter. Criteria: Invitae Variant Classification Sherloc (09022015). Collection method: clinical testing. Allele origin: germline.
Comment: In summary, the available evidence is currently insufficient to determine the role of this variant in disease. Therefore, it has been classified as a Variant of Uncertain Significance. Algorithms developed to predict the effect of missense changes on protein structure and function (SIFT, PolyPhen-2, Align-GVGD) all suggest that this variant is likely to be tolerated, but these predictions have not been confirmed by published functional studies and their clinical significance is uncertain. This variant has not been reported in the literature in individuals with CTC1-related conditions. This variant is not present in population databases (ExAC no frequency). This sequence change replaces aspartic acid with asparagine at codon 833 of the CTC1 protein (p.Asp833Asn). The aspartic acid residue is moderately conserved and there is a small physicochemical difference between aspartic acid and asparagine.

NM_025099.6(CTC1):c.2497G>A (p.Asp833Asn)

Gene: CTC1 (CST telomere replication complex component 1; minus strand). Cytogenetic location: 17p13.1.
Variant type: single nucleotide variant.
Coding change: c.2497G>A on transcript NM_025099.6 (MANE Select); coding-DNA position 2497, G replaced by A.
Protein change: p.Asp833Asn; replaces aspartic acid 833 with asparagine.
Molecular consequence: missense variant. On other transcripts: non-coding transcript variant (1).
Genome position (GRCh38, 1-based): chr17:8,231,448, C>T on the plus strand (G>A on the coding strand, the complement: CTC1 is on the minus strand). VCF-style: chr17-8231448-C-T. GRCh37 (hg19) VCF-style: chr17-8134766-C-T.
Other names: short protein forms D833N.
Identifiers: ClinVar variation 1413395 (VCV001413395.8), dbSNP rs754510180, ClinGen allele CA397976239.
Genomic context (GRCh38, chr17:8,231,448, plus strand): 5'-TGAGGCAGGATGCACAGCCAGCCAACTCCAGAGGACGCCGAGATATGCAGGATGAACCAT[C>T]CTTTTCAAACAACATTGGTGTCTGCACGGAAATGGGAAGACGACTGCCTGTGAGTGTGTG-3'
Protein context (NP_079375.3, residues 823-843): GPATPMLFEK[Asp833Asn]GSSCISRRPL